The following is an entry in ClinVar:

NM_001042492.3(NF1):c.2642T>C (p.Met881Thr)

Gene: NF1 (neurofibromin 1; plus strand). Cytogenetic location: 17q11.2.
Variant type: single nucleotide variant.
Coding change: c.2642T>C on transcript NM_001042492.3 (MANE Select); coding-DNA position 2642, T replaced by C.
Protein change: p.Met881Thr; replaces methionine 881 with threonine.
Molecular consequence: missense variant.
Genome position (GRCh38, 1-based): chr17:31,229,257, T>C. VCF-style: chr17-31229257-T-C. GRCh37 (hg19) VCF-style: chr17-29556275-T-C.
Other names: c.2642T>C, p.Met881Thr (NM_000267.4); short protein forms M881T.
Identifiers: ClinVar variation 566231 (VCV000566231.11), dbSNP rs777868654, ClinGen allele CA8486012.
Genomic context (GRCh38, chr17:31,229,257, plus strand): 5'-CAACCTATAGCCCACCCATGGGTCCAGTCAGTGAACGTAAGGGTTCTATGATTTCAGTGA[T>C]GTCTTCAGAGGGAAACGCAGATACACCTGTCAGCAAATTTATGGATCGGCTGTTGTCCTT-3'
Protein context (NP_001035957.1, residues 871-891): SERKGSMISV[Met881Thr]SSEGNADTPV

ClinVar aggregate classification (germline): Uncertain significance. Review status: criteria provided, multiple submitters, no conflicts (2 of 4 stars). 4 submissions from 4 submitters: Uncertain significance (4). Last evaluated 2024-10-22.

Conditions:
Neurofibromatosis, type 1 (NF1). Also called: VON RECKLINGHAUSEN DISEASE; NEUROFIBROMATOSIS, TYPE I, SOMATIC; Peripheral type neurofibromatosis; Neurofibromatosis, type I. Identifiers: Orphanet 636, MedGen C0027831, MONDO:0018975, OMIM 162200. Disease mechanism: loss of function.
Hereditary cancer-predisposing syndrome. Also called: Neoplastic Syndromes, Hereditary; Tumor predisposition; Hereditary Cancer Syndrome; Hereditary neoplastic syndrome. Identifiers: Orphanet 140162, MedGen C0027672, MeSH D009386, MONDO:0015356.
Cardiovascular phenotype. Identifiers: MedGen CN230736.

Allele frequency attached by ClinVar (database versions not stated): gnomAD exomes below 0.00001; ExAC 0.00001.
gnomAD v4.1: 1 of 1,613,144 alleles (0.000062%); highest among the groups gnomAD compares: South Asian, 0.0011%; no homozygotes.

Submissions (4):

GeneDx
Classification: Uncertain significance. Last evaluated: 2024-10-22. Review status: criteria provided, single submitter. Criteria: GeneDx Variant Classification Process June 2021. Collection method: clinical testing. Allele origin: germline. Affected: yes.
Comment: In silico analysis indicates that this missense variant does not alter protein structure/function; Has not been previously published as pathogenic or benign to our knowledge; This variant is associated with the following publications: (PMID: 2121369, 25486365)

Labcorp Genetics (formerly Invitae), Labcorp
Classification: Uncertain significance for Neurofibromatosis, type 1. Last evaluated: 2024-09-06. Review status: criteria provided, single submitter. Criteria: Invitae Variant Classification Sherloc (09022015). Collection method: clinical testing. Allele origin: germline.
Comment: This sequence change replaces methionine, which is neutral and non-polar, with threonine, which is neutral and polar, at codon 881 of the NF1 protein (p.Met881Thr). This variant is present in population databases (rs777868654, gnomAD 0.003%). This variant has not been reported in the literature in individuals affected with NF1-related conditions. ClinVar contains an entry for this variant (Variation ID: 566231). Invitae Evidence Modeling of protein sequence and biophysical properties (such as structural, functional, and spatial information, amino acid conservation, physicochemical variation, residue mobility, and thermodynamic stability) indicates that this missense variant is not expected to disrupt NF1 protein function with a negative predictive value of 95%. In summary, the available evidence is currently insufficient to determine the role of this variant in disease. Therefore, it has been classified as a Variant of Uncertain Significance.

Genome-Nilou Lab
Classification: Uncertain significance for Neurofibromatosis, type 1. Last evaluated: 2022-03-15. Review status: criteria provided, single submitter. Criteria: ACMG Guidelines, 2015. Collection method: clinical testing. Allele origin: germline. Affected: no.

Ambry Genetics
Classification: Uncertain significance for Cardiovascular phenotype; Hereditary cancer-predisposing syndrome. Last evaluated: 2018-05-15. Review status: criteria provided, single submitter. Criteria: Ambry Variant Classification Scheme 2023. Collection method: clinical testing. Allele origin: germline.
Comment: The p.M881T variant (also known as c.2642T>C), located in coding exon 21 of the NF1 gene, results from a T to C substitution at nucleotide position 2642. The methionine at codon 881 is replaced by threonine, an amino acid with similar properties. This amino acid position is not well conserved in available vertebrate species. In addition, this alteration is predicted to be tolerated by in silico analysis. Since supporting evidence is limited at this time, the clinical significance of this alteration remains unclear.